The following is an entry in ClinVar:

NM_000129.4(F13A1):c.614A>T (p.Tyr205Phe)

Gene: F13A1 (coagulation factor XIII A chain; minus strand). Cytogenetic location: 6p25.1.
Variant type: single nucleotide variant.
Coding change: c.614A>T on transcript NM_000129.4 (MANE Select); coding-DNA position 614, A replaced by T.
Protein change: p.Tyr205Phe; replaces tyrosine 205 with phenylalanine.
Molecular consequence: missense variant.
Genome position (GRCh38, 1-based): chr6:6,250,887, T>A on the plus strand (A>T on the coding strand, the complement: F13A1 is on the minus strand). VCF-style: chr6-6250887-T-A. GRCh37 (hg19) VCF-style: chr6-6251120-T-A.
Other names: p.Tyr205Phe; short protein forms Y205F.
Identifiers: ClinVar variation 908780 (VCV000908780.7), dbSNP rs3024477, ClinGen allele CA3624600.

ClinVar aggregate classification (germline): Likely benign. Review status: criteria provided, multiple submitters, no conflicts (2 of 4 stars). 4 submissions from 4 submitters: Likely benign (4). Last evaluated 2026-05-12.

Conditions:
Factor XIII, A subunit, deficiency of. Also called: Factor XIII subunit A deficiency. Identifiers: Orphanet 331, MedGen C2750514, MONDO:0013187, OMIM 613225, HP:0040233.

Allele frequency attached by ClinVar (database versions not stated): gnomAD 0.01857 and 0.01940; TOPMed 0.01613; ExAC 0.01715; gnomAD exomes 0.02571 and 0.01792; 1000 Genomes Project 0.00819; 1000 Genomes Project 30x 0.00859; ESP Exome Variant Server 0.02030.
gnomAD v4.1: 40,165 of 1,613,014 alleles (2.5%); highest among the groups gnomAD compares: Non-Finnish European, 3%; 609 homozygotes.

Submissions (4):

Women's Health and Genetics/Laboratory Corporation of America, LabCorp
Classification: Likely benign. Last evaluated: 2026-05-12. Review status: criteria provided, single submitter. Criteria: LabCorp Variant Classification Summary - May 2015. Collection method: clinical testing. Allele origin: germline.

Mayo Clinic Laboratories, Mayo Clinic
Classification: Likely benign. Last evaluated: 2022-09-20. Review status: criteria provided, single submitter. Criteria: ACMG Guidelines, 2015. Collection method: clinical testing. Allele origin: germline. Observed: 9 variant alleles.
Comment: BS1, BS2_supporting

Illumina Laboratory Services, Illumina
Classification: Likely benign for Factor XIII, A subunit, deficiency of. Last evaluated: 2017-04-27. Review status: criteria provided, single submitter. Criteria: ICSL Variant Classification Criteria 13 December 2019. Collection method: clinical testing. Allele origin: germline.
Comment: This variant was observed as part of a predisposition screen in an ostensibly healthy population. A literature search was performed for the gene, cDNA change, and amino acid change (where applicable). Publications were found based on this search. The evidence from the literature, in combination with allele frequency data from public databases where available, was sufficient to determine this variant is unlikely to cause disease. Therefore, this variant is classified as likely benign.

Breakthrough Genomics
Classification: Likely benign. Review status: criteria provided, single submitter. Criteria: ACMG Guidelines, 2015. Collection method: not provided. Allele origin: germline. Inheritance: Autosomal recessive inheritance. Affected: yes.

Literature cited by the submitters: PubMed 15533380 (cited by Mayo Clinic Laboratories, Mayo Clinic); PubMed 18006701 (cited by Mayo Clinic Laboratories, Mayo Clinic); PubMed 20384622 (cited by Mayo Clinic Laboratories, Mayo Clinic); PubMed 23601743 (cited by Mayo Clinic Laboratories, Mayo Clinic); PubMed 29313278 (cited by Mayo Clinic Laboratories, Mayo Clinic); PubMed 29769590 (cited by Mayo Clinic Laboratories, Mayo Clinic); PubMed 30979054 (cited by Mayo Clinic Laboratories, Mayo Clinic); PubMed 9920836 (cited by Mayo Clinic Laboratories, Mayo Clinic); PubMed 16763156 (cited by Illumina Laboratory Services, Illumina); PubMed 11692020 (cited by Illumina Laboratory Services, Illumina); PubMed 9920838 (cited by Illumina Laboratory Services, Illumina).